The following is an entry in ClinVar:

NM_005138.3(SCO2):c.306C>T (p.Gly102=)

Genes: NCAPH2 (non-SMC condensin II complex subunit H2; plus strand), SCO2 (synthesis of cytochrome C oxidase 2; minus strand). Cytogenetic location: 22q13.33.
Variant type: single nucleotide variant.
Coding change: c.306C>T on transcript NM_005138.3 (MANE Select); coding-DNA position 306, C replaced by T.
Protein change: p.Gly102=; no amino-acid change (glycine 102 retained).
Molecular consequence: synonymous variant. On other transcripts: 3 prime UTR variant (2).
Genome position (GRCh38, 1-based): chr22:50,524,106, G>A on the plus strand (C>T on the coding strand, the complement: SCO2 is on the minus strand). VCF-style: chr22-50524106-G-A. GRCh37 (hg19) VCF-style: chr22-50962535-G-A.
Other names: c.*731G>A (NM_001185011.2, NM_152299.4); c.306C>T, p.Gly102= (NM_001169109.2, NM_001169110.1, NM_001169111.2).
Identifiers: ClinVar variation 1191154 (VCV001191154.12), dbSNP rs376934366, ClinGen allele CA10321237.

ClinVar aggregate classification (germline): Likely benign. Review status: criteria provided, multiple submitters, no conflicts (2 of 4 stars). 3 submissions from 3 submitters: Likely benign (2). 1 of the submissions does not count toward it. Last evaluated 2026-02-04.

Conditions:
SCO2-related disorder. Also called: SCO2-related condition.

Allele frequency attached by ClinVar (database versions not stated): gnomAD 0.00015 and 0.00017; gnomAD exomes 0.00006 and 0.00005; ESP Exome Variant Server 0.00008; ExAC 0.00010; TOPMed 0.00014.
gnomAD v4.1: 95 of 1,612,758 alleles (0.0059%); highest among the groups gnomAD compares: African/African-American, 0.037%; no homozygotes.

Submissions (3):

Labcorp Genetics (formerly Invitae), Labcorp
Classification: Likely benign. Last evaluated: 2026-02-04. Review status: criteria provided, single submitter. Criteria: Invitae Variant Classification Sherloc (09022015). Collection method: clinical testing. Allele origin: germline.

GeneDx
Classification: Likely benign. Last evaluated: 2021-04-20. Review status: criteria provided, single submitter. Criteria: GeneDx Variant Classification Process June 2021. Collection method: clinical testing. Allele origin: germline. Affected: yes.

PreventionGenetics, part of Exact Sciences
Classification: Likely benign for SCO2-related condition. Last evaluated: 2019-06-05. Review status: no assertion criteria provided. Collection method: clinical testing. Allele origin: germline. Not counted in ClinVar's aggregate classification.
Comment: This variant is classified as likely benign based on ACMG/AMP sequence variant interpretation guidelines (Richards et al. 2015 PMID: 25741868, with internal and published modifications).